The following is an entry in ClinVar:

NM_181332.3(NLGN4X):c.1356C>G (p.Pro452=)

Gene: NLGN4X (neuroligin 4 X-linked; minus strand). Cytogenetic location: Xp22.32.
Variant type: single nucleotide variant.
Coding change: c.1356C>G on transcript NM_181332.3 (MANE Select); coding-DNA position 1356, C replaced by G.
Protein change: p.Pro452=; no amino-acid change (proline 452 retained).
Molecular consequence: synonymous variant.
Genome position (GRCh38, 1-based): chrX:5,903,322, G>C on the plus strand (C>G on the coding strand, the complement: NLGN4X is on the minus strand). VCF-style: chrX-5903322-G-C. GRCh37 (hg19) VCF-style: chrX-5821363-G-C.
Other names: c.1356C>G, p.Pro452= (NM_001282145.2, NM_001282146.2, NM_001441322.1 and 4 more transcripts).
Identifiers: ClinVar variation 4874119 (VCV004874119.2).

ClinVar aggregate classification (germline): Likely benign (1 of 4 stars; one submission).

Submission:

CeGaT Center for Human Genetics Tuebingen
Classification: Likely benign. Last evaluated: 2026-04-01. Review status: criteria provided, single submitter. Criteria: CeGaT Center For Human Genetics Tuebingen Variant Classification Criteria Version 2. Collection method: clinical testing. Allele origin: germline. Affected: yes. Observed: 1 variant allele.
Comment: NLGN4X: PM2:Supporting, BP4, BP7